The following is an entry in ClinVar:

ClinVar aggregate classification (germline): Uncertain significance. Review status: criteria provided, multiple submitters, no conflicts (2 of 4 stars). 2 submissions from 2 submitters: Uncertain significance (2). Last evaluated 2026-01-24.

Conditions:
Usher syndrome type 3B. Also called: USHER SYNDROME, TYPE IIIB. Identifiers: MedGen C3281066, MONDO:0013788, OMIM 614504.

Allele frequency attached by ClinVar (database versions not stated): ExAC 0.00001; gnomAD exomes 0.00001; gnomAD 0.00002; TOPMed 0.00002.
gnomAD v4.1: 11 of 1,611,546 alleles (0.00068%); highest among the groups gnomAD compares: African/African-American, 0.004%; no homozygotes.

Submissions (2):

Labcorp Genetics (formerly Invitae), Labcorp
Classification: Uncertain significance for Usher syndrome type 3B. Last evaluated: 2026-01-24. Review status: criteria provided, single submitter. Criteria: Invitae Variant Classification Sherloc (09022015). Collection method: clinical testing. Allele origin: germline.
Comment: This sequence change replaces threonine, which is neutral and polar, with methionine, which is neutral and non-polar, at codon 407 of the HARS protein (p.Thr407Met). This variant is present in population databases (rs760726168, gnomAD 0.007%). This variant has not been reported in the literature in individuals affected with HARS-related conditions. ClinVar contains an entry for this variant (Variation ID: 1019258). Invitae Evidence Modeling of protein sequence and biophysical properties (such as structural, functional, and spatial information, amino acid conservation, physicochemical variation, residue mobility, and thermodynamic stability) indicates that this missense variant is expected to disrupt HARS protein function with a positive predictive value of 80%. In summary, the available evidence is currently insufficient to determine the role of this variant in disease. Therefore, it has been classified as a Variant of Uncertain Significance.

GeneDx
Classification: Uncertain significance. Last evaluated: 2024-11-07. Review status: criteria provided, single submitter. Criteria: GeneDx Variant Classification Process June 2021. Collection method: clinical testing. Allele origin: germline. Affected: yes.
Comment: In silico analysis supports that this missense variant has a deleterious effect on protein structure/function; Has not been previously published as pathogenic or benign to our knowledge

NM_002109.6(HARS1):c.1220C>T (p.Thr407Met)

Gene: HARS1 (histidyl-tRNA synthetase 1; minus strand). Cytogenetic location: 5q31.3.
Variant type: single nucleotide variant.
Coding change: c.1220C>T on transcript NM_002109.6 (MANE Select); coding-DNA position 1220, C replaced by T.
Protein change: p.Thr407Met; replaces threonine 407 with methionine.
Molecular consequence: missense variant.
Genome position (GRCh38, 1-based): chr5:140,675,108, G>A on the plus strand (C>T on the coding strand, the complement: HARS1 is on the minus strand). VCF-style: chr5-140675108-G-A. GRCh37 (hg19) VCF-style: chr5-140054693-G-A.
Other names: c.1100C>T, p.Thr367Met (NM_001258040.3); c.1160C>T, p.Thr387Met (NM_001258041.3); c.1040C>T, p.Thr347Met (NM_001258042.3); c.998C>T, p.Thr333Met (NM_001289092.2); c.878C>T, p.Thr293Met (NM_001289093.2); c.1133C>T, p.Thr378Met (NM_001289094.2); c.1220C>T (NM_002109.5); short protein forms T293M, T333M, T347M, T367M, T378M, T387M, T407M.
Identifiers: ClinVar variation 1019258 (VCV001019258.11), dbSNP rs760726168, ClinGen allele CA3443873.